The following is an entry in ClinVar:

NM_001966.4(EHHADH):c.411G>A (p.Gln137=)

Gene: EHHADH (enoyl-CoA hydratase and 3-hydroxyacyl CoA dehydrogenase; minus strand). Cytogenetic location: 3q27.2.
Variant type: single nucleotide variant.
Coding change: c.411G>A on transcript NM_001966.4 (MANE Select); coding-DNA position 411, G replaced by A.
Protein change: p.Gln137=; no amino-acid change (glutamine 137 retained).
Molecular consequence: synonymous variant.
Genome position (GRCh38, 1-based): chr3:185,229,484, C>T on the plus strand (G>A on the coding strand, the complement: EHHADH is on the minus strand). VCF-style: chr3-185229484-C-T. GRCh37 (hg19) VCF-style: chr3-184947272-C-T.
Other names: c.123G>A, p.Gln41= (NM_001166415.2); c.411G>A (NM_001966.3).
Identifiers: ClinVar variation 595128 (VCV000595128.7), dbSNP rs148984368, ClinGen allele CA2739227.

ClinVar aggregate classification (germline): Uncertain significance. Review status: criteria provided, single submitter (1 of 4 stars). 2 submissions from 2 submitters: Uncertain significance (1). 1 of the submissions does not count toward it. Last evaluated 2017-11-22.

Conditions:
EHHADH-related disorder. Also called: EHHADH-related condition.

Allele frequency attached by ClinVar (database versions not stated): ESP Exome Variant Server 0.00023; TOPMed 0.00029.

Submissions (2):

Eurofins Ntd Llc (ga)
Classification: Uncertain significance. Last evaluated: 2017-11-22. Review status: criteria provided, single submitter. Criteria: EGL Classification Definitions 2015. Collection method: clinical testing. Allele origin: germline. Observed: 1 variant allele, 1 heterozygote.

PreventionGenetics, part of Exact Sciences
Classification: Likely benign for EHHADH-related condition. Last evaluated: 2023-05-15. Review status: no assertion criteria provided. Collection method: clinical testing. Allele origin: germline. Not counted in ClinVar's aggregate classification.
Comment: This variant is classified as likely benign based on ACMG/AMP sequence variant interpretation guidelines (Richards et al. 2015 PMID: 25741868, with internal and published modifications).